The following is an entry in ClinVar:

ClinVar aggregate classification (germline): Uncertain significance (1 of 4 stars; one submission).

Conditions:
Tooth agenesis, selective, 10 (STHAG10). Identifiers: MedGen C5774277, MONDO:0859339, OMIM 620173.
Autosomal recessive nonsyndromic hearing loss 98. Also called: Deafness, autosomal recessive 98. Identifiers: Orphanet 90636, MedGen C3553932, MONDO:0013929, OMIM 614861.
Ectodermal dysplasia 14, hair/tooth type with or without hypohidrosis. Identifiers: Orphanet 685067, MedGen C4748560, MONDO:0032584, OMIM 618180.

gnomAD v4.1: 1 of 1,606,106 alleles (0.000062%); highest among the groups gnomAD compares: Non-Finnish European, 0.000085%; no homozygotes.

Submission:

Medical Genetics, Meyer Children Hospital
Classification: Uncertain significance for Ectodermal dysplasia 14, hair/tooth type with or without hypohidrosis; Autosomal recessive nonsyndromic hearing loss 98; Tooth agenesis, selective, 10. Last evaluated: 2025-08-04. Review status: criteria provided, single submitter. Criteria: ACMG Guidelines, 2015. Collection method: clinical testing. Allele origin: paternal. Affected: yes.
Comment: PVS1, PM2, PM3

NM_144991.3(TSPEAR):c.1919G>A (p.Trp640Ter)

Gene: TSPEAR (thrombospondin type laminin G domain and EAR repeats; minus strand). Cytogenetic location: 21q22.3.
Variant type: single nucleotide variant.
Coding change: c.1919G>A on transcript NM_144991.3 (MANE Select); coding-DNA position 1919, G replaced by A.
Protein change: p.Trp640Ter; replaces tryptophan 640 with a stop codon.
Molecular consequence: nonsense.
Genome position (GRCh38, 1-based): chr21:44,499,874, C>T on the plus strand (G>A on the coding strand, the complement: TSPEAR is on the minus strand). VCF-style: chr21-44499874-C-T. GRCh37 (hg19) VCF-style: chr21-45919757-C-T.
Other names: c.1715G>A, p.Trp572Ter (NM_001272037.2); short protein forms W572*, W640*.
Identifiers: ClinVar variation 4081844 (VCV004081844.1).